The following is an entry in ClinVar:

NM_001009944.3(PKD1):c.7530C>T (p.Tyr2510=)

Gene: PKD1 (polycystin 1, transient receptor potential channel interacting; minus strand). Cytogenetic location: 16p13.3.
Variant type: single nucleotide variant.
Coding change: c.7530C>T on transcript NM_001009944.3 (MANE Select); coding-DNA position 7530, C replaced by T.
Protein change: p.Tyr2510=; no amino-acid change (tyrosine 2510 retained).
Molecular consequence: synonymous variant.
Genome position (GRCh38, 1-based): chr16:2,106,264, G>A on the plus strand (C>T on the coding strand, the complement: PKD1 is on the minus strand). VCF-style: chr16-2106264-G-A. GRCh37 (hg19) VCF-style: chr16-2156265-G-A.
Other names: c.7530C>T, p.Tyr2510= (NM_000296.4).
Identifiers: ClinVar variation 4980306 (VCV004980306.2).

ClinVar aggregate classification (germline): Conflicting classifications of pathogenicity. Review status: criteria provided, conflicting classifications (1 of 4 stars). 2 submissions from 2 submitters: Uncertain significance (1); Likely benign (1). Last evaluated 2026-04-11.

Conditions:
Polycystic kidney disease, adult type (PKD1). Also called: POLYCYSTIC KIDNEY DISEASE, ADULT, TYPE I; Polycystic Kidney Disease 1, Autosomal Dominant; Polycystic kidney disease 1; Polycystic kidney disease 1, severe; Polycystic Kidney, Autosomal Dominant; POLYCYSTIC KIDNEY DISEASE 1 WITH OR WITHOUT POLYCYSTIC LIVER DISEASE. Identifiers: MedGen C3149841, MONDO:0008263, OMIM 173900.
PKD1-related disorder. Also called: PKD1-related condition.

gnomAD v4.1: 46 of 1,610,086 alleles (0.0029%); highest among the groups gnomAD compares: East Asian, 0.0089%; no homozygotes.

Submissions (2):

PreventionGenetics, part of Exact Sciences
Classification: Likely benign for PKD1-related condition. Last evaluated: 2026-04-11. Review status: criteria provided, single submitter. Criteria: ACMG Guidelines, 2015. Collection method: clinical testing. Allele origin: germline.
Comment: This variant is classified as likely benign based on ACMG/AMP sequence variant interpretation guidelines (Richards et al. 2015 PMID: 25741868, with internal and published modifications).

Juno Genomics, Hangzhou Juno Genomics, Inc
Classification: Uncertain significance for Polycystic kidney disease, adult type. Review status: criteria provided, single submitter. Criteria: ACMG Guidelines, 2015. Collection method: clinical testing. Allele origin: germline.
Comment: Absent from controls (or at extremely low frequency if recessive) in Genome Aggregation Database.